The following is an entry in ClinVar:

ClinVar aggregate classification (germline): Benign. Review status: criteria provided, multiple submitters, no conflicts (2 of 4 stars). 15 submissions from 12 submitters: Benign (12). 3 of the submissions do not count toward it. Last evaluated 2026-06-02.

Conditions:
Corticosterone methyl oxidase type II deficiency.
Corticosterone 18-monooxygenase deficiency. Also called: ALDOSTERONE DEFICIENCY DUE TO DEFECT IN STEROID 18-HYDROXYLASE; ALDOSTERONE DEFICIENCY I; CMO I DEFICIENCY; STEROID 18-HYDROXYLASE DEFICIENCY; 18 Hydroxylase deficiency; Aldosterone deficiency due to defect in 18 hydroxylase. Identifiers: Orphanet 427, MedGen C0268293, MONDO:0008751, OMIM 203400. Disease mechanism: loss of function.
Corticosterone methyloxidase type 2 deficiency. Also called: 18-OXIDASE DEFICIENCY; ALDOSTERONE DEFICIENCY DUE TO DEFICIENCY OF STEROID 18-OXIDASE; ALDOSTERONE DEFICIENCY II; CMO II DEFICIENCY; STEROID 18-OXIDASE DEFICIENCY. Identifiers: Orphanet 427, MedGen C3463917, MONDO:0012524, OMIM 610600. Disease mechanism: loss of function.
Glucocorticoid-remediable aldosteronism. Also called: Hyperaldosteronism, familial, type I; ACTH-DEPENDENT HYPERALDOSTERONISM SYNDROME; ALDOSTERONISM, SENSITIVE TO DEXAMETHASONE; FH I; GLUCOCORTICOID-SUPPRESSIBLE HYPERALDOSTERONISM. Identifiers: Orphanet 403, MedGen C3838731, MONDO:0007080, OMIM 103900.

Allele frequency attached by ClinVar (database versions not stated): 1000 Genomes Project 0.82348; 1000 Genomes Project 30x 0.83307; gnomAD exomes 0.90461 and 0.95426; ExAC 0.90939; TOPMed 0.93461; gnomAD 0.93719 and 0.94662; ESP Exome Variant Server 0.96932.
gnomAD v4.1: 1,536,240 of 1,613,702 alleles (95%); highest among the groups gnomAD compares: Non-Finnish European, 98%; 737,901 homozygotes.

Submissions (15):

Women's Health and Genetics/Laboratory Corporation of America, LabCorp
Classification: Benign. Last evaluated: 2026-06-02. Review status: criteria provided, single submitter. Criteria: LabCorp Variant Classification Summary - May 2015. Collection method: clinical testing. Allele origin: germline.

Labcorp Genetics (formerly Invitae), Labcorp
Classification: Benign. Last evaluated: 2026-02-04. Review status: criteria provided, single submitter. Criteria: Invitae Variant Classification Sherloc (09022015). Collection method: clinical testing. Allele origin: germline.

Blueprint Genetics
Classification: Benign. Last evaluated: 2024-11-27. Review status: criteria provided, single submitter. Criteria: ACMG Guidelines, 2015. Collection method: clinical testing. Allele origin: germline.

Mayo Clinic Laboratories, Mayo Clinic
Classification: Benign. Last evaluated: 2022-03-09. Review status: criteria provided, single submitter. Criteria: ACMG Guidelines, 2015. Collection method: clinical testing. Allele origin: germline. Observed: 176 variant alleles.

Genome-Nilou Lab
Classification: Benign for Corticosterone 18-monooxygenase deficiency. Last evaluated: 2021-07-01. Review status: criteria provided, single submitter. Criteria: ACMG Guidelines, 2015. Collection method: clinical testing. Allele origin: germline. Affected: no.

Genome-Nilou Lab
Classification: Benign for Corticosterone methyloxidase type 2 deficiency. Last evaluated: 2021-07-01. Review status: criteria provided, single submitter. Criteria: ACMG Guidelines, 2015. Collection method: clinical testing. Allele origin: germline. Affected: no.

GeneDx
Classification: Benign. Last evaluated: 2021-01-18. Review status: criteria provided, single submitter. Criteria: GeneDx Variant Classification Process June 2021. Collection method: clinical testing. Allele origin: germline. Affected: yes.

Illumina Laboratory Services, Illumina
Classification: Benign for Hyperaldosteronism, familial, type I. Last evaluated: 2018-01-12. Review status: criteria provided, single submitter. Criteria: ICSL Variant Classification Criteria 13 December 2019. Collection method: clinical testing. Allele origin: germline.
Comment: This variant was observed in the ICSL laboratory as part of a predisposition screen in an ostensibly healthy population. It had not been previously curated by ICSL or reported in the Human Gene Mutation Database (HGMD: prior to June 1st, 2018), and was therefore a candidate for classification through an automated scoring system. Utilizing variant allele frequency, disease prevalence and penetrance estimates, and inheritance mode, an automated score was calculated to assess if this variant is too frequent to cause the disease. Based on the score and internal cut-off values, a variant classified as benign is not then subjected to further curation. The score for this variant resulted in a classification of benign for this disease.

Illumina Laboratory Services, Illumina
Classification: Benign for Corticosterone 18-monooxygenase deficiency. Last evaluated: 2018-01-12. Review status: criteria provided, single submitter. Criteria: ICSL Variant Classification Criteria 13 December 2019. Collection method: clinical testing. Allele origin: germline.
Comment: the same text as in the submission from Illumina Laboratory Services, Illumina above.

Illumina Laboratory Services, Illumina
Classification: Benign for Corticosterone methyloxidase type 2 deficiency. Last evaluated: 2018-01-12. Review status: criteria provided, single submitter. Criteria: ICSL Variant Classification Criteria 13 December 2019. Collection method: clinical testing. Allele origin: germline.
Comment: the same text as in the submission from Illumina Laboratory Services, Illumina above.

Laboratory for Molecular Medicine, Mass General Brigham Personalized Medicine
Classification: Benign. Last evaluated: 2016-03-21. Review status: criteria provided, single submitter. Criteria: LMM Criteria. Collection method: clinical testing. Allele origin: germline. Observed: 1 variant allele.
Comment: p.Ala291Ala in exon 5 of CYP11B2: This variant is not expected to have clinical significance because it does not alter an amino acid residue, is not located wit hin the splice consensus sequence, and has been identified in 97.79% (65226/6669 8) of European chromosomes by the Exome Aggregation Consortium (ExAC; dbSNP rs4536).

Breakthrough Genomics
Classification: Benign. Review status: criteria provided, single submitter. Criteria: ACMG Guidelines, 2015. Collection method: not provided. Allele origin: germline. Inheritance: Autosomal recessive inheritance. Affected: yes.

Natera, Inc.
Classification: Benign for Corticosterone methyl oxidase type II deficiency. Last evaluated: 2020-09-16. Review status: no assertion criteria provided. Collection method: clinical testing. Allele origin: germline. Not counted in ClinVar's aggregate classification.

Diagnostic Laboratory, Department of Genetics, University Medical Center Groningen
Classification: Benign. Review status: no assertion criteria provided. Collection method: clinical testing. Allele origin: germline. Affected: yes. Study: VKGL Data-share Consensus. Not counted in ClinVar's aggregate classification.

Joint Genome Diagnostic Labs from Nijmegen and Maastricht, Radboudumc and MUMC+
Classification: Benign. Review status: no assertion criteria provided. Collection method: clinical testing. Allele origin: germline. Affected: yes. Study: VKGL Data-share Consensus. Not counted in ClinVar's aggregate classification.

NM_000498.3(CYP11B2):c.873G>A (p.Ala291=)

Genes: CYP11B2 (cytochrome P450 family 11 subfamily B member 2; minus strand), LOC106799834 (CYP11B2 recombination region; plus strand). Cytogenetic location: 8q24.3.
Variant type: single nucleotide variant.
Coding change: c.873G>A on transcript NM_000498.3 (MANE Select); coding-DNA position 873, G replaced by A.
Protein change: p.Ala291=; no amino-acid change (alanine 291 retained).
Molecular consequence: synonymous variant.
Genome position (GRCh38, 1-based): chr8:142,914,345, C>T on the plus strand (G>A on the coding strand, the complement: CYP11B2 is on the minus strand). VCF-style: chr8-142914345-C-T. GRCh37 (hg19) VCF-style: chr8-143995761-C-T.
Other names: p.Ala291=.
Identifiers: ClinVar variation 362207 (VCV000362207.30), dbSNP rs4536, ClinGen allele CA4906046.